The following is an entry in ClinVar:

NM_144772.3(NAXE):c.294A>G (p.Ala98=)

Gene: NAXE (NAD(P)HX epimerase; plus strand). Cytogenetic location: 1q22.
Variant type: single nucleotide variant.
Coding change: c.294A>G on transcript NM_144772.3 (MANE Select); coding-DNA position 294, A replaced by G.
Protein change: p.Ala98=; no amino-acid change (alanine 98 retained).
Molecular consequence: synonymous variant.
Genome position (GRCh38, 1-based): chr1:156,592,367, A>G. VCF-style: chr1-156592367-A-G. GRCh37 (hg19) VCF-style: chr1-156562159-A-G.
Identifiers: ClinVar variation 2057884 (VCV002057884.8), dbSNP rs145909315, ClinGen allele CA1162720.

ClinVar aggregate classification (germline): Likely benign. Review status: criteria provided, multiple submitters, no conflicts (2 of 4 stars). 2 submissions from 2 submitters: Likely benign (2). Last evaluated 2026-01-11.

Allele frequency attached by ClinVar (database versions not stated): ExAC 0.00026; gnomAD 0.00032; TOPMed 0.00034; ESP Exome Variant Server 0.00038; gnomAD exomes 0.00063.
gnomAD v4.1: 975 of 1,613,946 alleles (0.06%); highest among the groups gnomAD compares: Non-Finnish European, 0.073%; no homozygotes.

Submissions (2):

Labcorp Genetics (formerly Invitae), Labcorp
Classification: Likely benign. Last evaluated: 2026-01-11. Review status: criteria provided, single submitter. Criteria: Invitae Variant Classification Sherloc (09022015). Collection method: clinical testing. Allele origin: germline.

CeGaT Center for Human Genetics Tuebingen
Classification: Likely benign. Last evaluated: 2026-01-01. Review status: criteria provided, single submitter. Criteria: CeGaT Center For Human Genetics Tuebingen Variant Classification Criteria Version 2. Collection method: clinical testing. Allele origin: germline. Affected: yes. Observed: 1 variant allele.
Comment: NAXE: BP4, BP7